The following is an entry in ClinVar:

NM_002693.3(POLG):c.2987G>A (p.Arg996Gln)

Gene: POLG (DNA polymerase gamma, catalytic subunit; minus strand). Cytogenetic location: 15q26.1.
Variant type: single nucleotide variant.
Coding change: c.2987G>A on transcript NM_002693.3 (MANE Select); coding-DNA position 2987, G replaced by A.
Protein change: p.Arg996Gln; replaces arginine 996 with glutamine.
Molecular consequence: missense variant.
Genome position (GRCh38, 1-based): chr15:89,319,345, C>T on the plus strand (G>A on the coding strand, the complement: POLG is on the minus strand). VCF-style: chr15-89319345-C-T. GRCh37 (hg19) VCF-style: chr15-89862576-C-T.
Other names: p.R996Q:CGG>CAG; p.Arg996Gln; c.2987G>A, p.Arg996Gln (NM_001126131.2); short protein forms R996Q.
Identifiers: ClinVar variation 206544 (VCV000206544.20), dbSNP rs770236576, ClinGen allele CA316732.

ClinVar aggregate classification (germline): Uncertain significance. Review status: criteria provided, multiple submitters, no conflicts (2 of 4 stars). 8 submissions from 8 submitters: Uncertain significance (8). Last evaluated 2025-07-22.

Conditions:
POLG-related disorder. Also called: POLG-related condition; POLG-Related Disorders; POLG-Related Spectrum Disorders. Identifiers: MedGen C4763519.
Inborn genetic diseases. Identifiers: MedGen C0950123, MeSH D030342.
Progressive sclerosing poliodystrophy (MTDPS4A). Also called: Mitochondrial DNA depletion syndrome 4A (Alpers type); Alpers Syndrome; NEURONAL DEGENERATION OF CHILDHOOD WITH LIVER DISEASE, PROGRESSIVE; ALPERS PROGRESSIVE INFANTILE POLIODYSTROPHY; ALPERS DIFFUSE DEGENERATION OF CEREBRAL GRAY MATTER WITH HEPATIC CIRRHOSIS; Alpers-Huttenlocher Syndrome. Identifiers: Orphanet 726, MedGen C0205710, MONDO:0008758, OMIM 203700.

Allele frequency attached by ClinVar (database versions not stated): gnomAD 0.00003; gnomAD exomes 0.00003 and 0.00008; TOPMed 0.00004; ExAC 0.00005.
gnomAD v4.1: 41 of 1,613,860 alleles (0.0025%); highest among the groups gnomAD compares: Admixed American, 0.033%; no homozygotes.

Submissions (8):

PreventionGenetics, part of Exact Sciences
Classification: Uncertain significance for POLG-related condition. Last evaluated: 2025-07-22. Review status: criteria provided, single submitter. Criteria: ACMG Guidelines, 2015. Collection method: clinical testing. Allele origin: germline.
Comment: The POLG c.2987G>A variant is predicted to result in the amino acid substitution p.Arg996Gln. To our knowledge, this variant has not been reported in the literature. This variant is reported in 0.042% of alleles in individuals of Latino descent in gnomAD. At this time, the clinical significance of this variant is uncertain due to the absence of conclusive functional and genetic evidence.

GeneDx
Classification: Uncertain significance. Last evaluated: 2025-05-12. Review status: criteria provided, single submitter. Criteria: GeneDx Variant Classification Process June 2021. Collection method: clinical testing. Allele origin: germline. Affected: yes.
Comment: In silico analysis suggests that this missense variant does not alter protein structure/function; Has not been previously published as pathogenic or benign to our knowledge

Labcorp Genetics (formerly Invitae), Labcorp
Classification: Uncertain significance for Progressive sclerosing poliodystrophy. Last evaluated: 2024-12-10. Review status: criteria provided, single submitter. Criteria: Invitae Variant Classification Sherloc (09022015). Collection method: clinical testing. Allele origin: germline.
Comment: This sequence change replaces arginine, which is basic and polar, with glutamine, which is neutral and polar, at codon 996 of the POLG protein (p.Arg996Gln). This variant is present in population databases (rs770236576, gnomAD 0.04%). This variant has not been reported in the literature in individuals affected with POLG-related conditions. ClinVar contains an entry for this variant (Variation ID: 206544). Invitae Evidence Modeling of protein sequence and biophysical properties (such as structural, functional, and spatial information, amino acid conservation, physicochemical variation, residue mobility, and thermodynamic stability) indicates that this missense variant is not expected to disrupt POLG protein function with a negative predictive value of 95%. In summary, the available evidence is currently insufficient to determine the role of this variant in disease. Therefore, it has been classified as a Variant of Uncertain Significance.

ARUP Laboratories, Molecular Genetics and Genomics, ARUP Laboratories
Classification: Uncertain significance. Last evaluated: 2024-08-26. Review status: criteria provided, single submitter. Criteria: ARUP Molecular Germline Variant Investigation Process 2024. Collection method: clinical testing. Allele origin: germline.

Mayo Clinic Laboratories, Mayo Clinic
Classification: Uncertain significance. Last evaluated: 2024-02-09. Review status: criteria provided, single submitter. Criteria: ACMG Guidelines, 2015. Collection method: clinical testing. Allele origin: germline. Observed: 1 variant allele.
Comment: PM2_moderate

Ambry Genetics
Classification: Uncertain significance for Inborn genetic diseases. Last evaluated: 2018-12-07. Review status: criteria provided, single submitter. Criteria: Ambry Variant Classification Scheme 2023. Collection method: clinical testing. Allele origin: germline.
Comment: The p.R996Q variant (also known as c.2987G>A), located in coding exon 18 of the POLG gene, results from a G to A substitution at nucleotide position 2987. The arginine at codon 996 is replaced by glutamine, an amino acid with highly similar properties. This amino acid position is not well conserved in available vertebrate species. In addition, the in silico prediction for this alteration is inconclusive. Since supporting evidence is limited at this time, the clinical significance of this alteration remains unclear.

Wong Mito Lab, Molecular and Human Genetics, Baylor College of Medicine
Classification: Uncertain significance for Progressive sclerosing poliodystrophy. Last evaluated: 2018-10-01. Review status: criteria provided, single submitter. Criteria: ACMG Guidelines, 2015. Collection method: clinical testing. Allele origin: germline.
Comment: The NM_002693.2:c.2987G>A (NP_002684.1:p.Arg996Gln) [GRCH38: NC_000015.10:g.89319345C>T] variant in POLG gene is interpretated to be a Uncertain Significance based on ACMG guidelines (PMID: 25741868). This variant meets the following evidence codes reported in the ACMG-guideline. PM2:This variant is absent in key population databases. Based on the evidence criteria codes applied, the variant is suggested to be Uncertain Significance.

Eurofins Ntd Llc (ga)
Classification: Uncertain significance. Last evaluated: 2017-10-27. Review status: criteria provided, single submitter. Criteria: EGL Classification Definitions 2015. Collection method: clinical testing. Allele origin: germline. Observed: 2 variant alleles, 2 heterozygotes.

Literature cited by the submitters: PubMed 22215559 (cited by Mayo Clinic Laboratories, Mayo Clinic and Ambry Genetics).